The following is an entry in ClinVar:

NM_000548.5(TSC2):c.1457A>T (p.Asn486Ile)

Gene: TSC2 (TSC complex subunit 2; plus strand). Cytogenetic location: 16p13.3.
Variant type: single nucleotide variant.
Coding change: c.1457A>T on transcript NM_000548.5 (MANE Select); coding-DNA position 1457, A replaced by T.
Protein change: p.Asn486Ile; replaces asparagine 486 with isoleucine.
Molecular consequence: missense variant.
Genome position (GRCh38, 1-based): chr16:2,064,285, A>T. VCF-style: chr16-2064285-A-T. GRCh37 (hg19) VCF-style: chr16-2114286-A-T.
Other names: c.1457A>T, p.Asn486Ile (NM_001077183.3, NM_001114382.3, NM_001363528.2 and 3 more transcripts); c.1346A>T, p.Asn449Ile (NM_001318827.2); c.1310A>T, p.Asn437Ile (NM_001318829.2); c.857A>T, p.Asn286Ile (NM_001318831.2); c.1490A>T, p.Asn497Ile (NM_001318832.2); short protein forms N486I, N449I, N437I, N497I, N286I.
Identifiers: ClinVar variation 49788 (VCV000049788.7), dbSNP rs45486599, ClinGen allele CA014907.

ClinVar aggregate classification (germline): Uncertain significance. Review status: criteria provided, single submitter (1 of 4 stars). 2 submissions from 2 submitters: Uncertain significance (1). 1 of the submissions does not count toward it. Last evaluated 2025-08-11.

Conditions:
Tuberous sclerosis syndrome (TSC). Also called: Tuberous Sclerosis Complex; Tuberous sclerosis. Identifiers: Orphanet 805, MedGen C0041341, MONDO:0001734.
Tuberous sclerosis 2 (TSC2). Identifiers: Orphanet 805, MedGen C1860707, MONDO:0013199, OMIM 613254.

Submissions (2):

Labcorp Genetics (formerly Invitae), Labcorp
Classification: Uncertain significance for Tuberous sclerosis 2. Last evaluated: 2025-08-11. Review status: criteria provided, single submitter. Criteria: Invitae Variant Classification Sherloc (09022015). Collection method: clinical testing. Allele origin: germline.
Comment: This sequence change replaces asparagine, which is neutral and polar, with isoleucine, which is neutral and non-polar, at codon 486 of the TSC2 protein (p.Asn486Ile). This variant is not present in population databases (gnomAD no frequency). This missense change has been observed in individual(s) with clinical features of tuberous sclerosis complex (PMID: 10732801). This variant is also known as c.1475A>T. ClinVar contains an entry for this variant (Variation ID: 49788). Invitae Evidence Modeling of protein sequence and biophysical properties (such as structural, functional, and spatial information, amino acid conservation, physicochemical variation, residue mobility, and thermodynamic stability) indicates that this missense variant is not expected to disrupt TSC2 protein function with a negative predictive value of 95%. In summary, the available evidence is currently insufficient to determine the role of this variant in disease. Therefore, it has been classified as a Variant of Uncertain Significance.

Tuberous sclerosis database (TSC2)
No classification provided. Condition: TSC. Review status: no classification provided. Criteria: Tuberous Sclerosis Database Assertion Criteria 2015. Collection method: curation. Allele origin: germline. Affected: yes. Not counted in ClinVar's aggregate classification.

Literature cited by the submitters: PubMed 10732801 (cited by Labcorp Genetics (formerly Invitae), Labcorp).